The following is an entry in ClinVar:

NM_018897.3(DNAH7):c.1173+4A>C

Gene: DNAH7 (dynein axonemal heavy chain 7; minus strand). Cytogenetic location: 2q32.3.
Variant type: single nucleotide variant.
Coding change: c.1173+4A>C on transcript NM_018897.3 (MANE Select); 4 bases into the intron after coding-DNA position 1173, A replaced by C.
Molecular consequence: intron variant.
Genome position (GRCh38, 1-based): chr2:196,001,671, T>G on the plus strand (A>C on the coding strand, the complement: DNAH7 is on the minus strand). VCF-style: chr2-196001671-T-G. GRCh37 (hg19) VCF-style: chr2-196866395-T-G.
Identifiers: ClinVar variation 3033436 (VCV003033436.2), dbSNP rs35103315, ClinGen allele CA2036736.

ClinVar aggregate classification (germline): Likely benign (0 of 4 stars; one submission).

Conditions:
DNAH7-related disorder. Also called: DNAH7-related condition.

Allele frequency attached by ClinVar (database versions not stated): ExAC 0.00021; ESP Exome Variant Server 0.00042; TOPMed 0.00044; gnomAD 0.00046; gnomAD exomes 0.00053.
gnomAD v4.1: 788 of 1,543,002 alleles (0.051%); highest among the groups gnomAD compares: Non-Finnish European, 0.066%; 1 homozygote.

Submission:

PreventionGenetics, part of Exact Sciences
Classification: Likely benign for DNAH7-related condition. Last evaluated: 2022-04-08. Review status: no assertion criteria provided. Collection method: clinical testing. Allele origin: germline.
Comment: This variant is classified as likely benign based on ACMG/AMP sequence variant interpretation guidelines (Richards et al. 2015 PMID: 25741868, with internal and published modifications).